The following is an entry in ClinVar:

ClinVar aggregate classification (germline): Benign/Likely benign. Review status: criteria provided, multiple submitters, no conflicts (2 of 4 stars). 4 submissions from 4 submitters: Benign (1); Likely benign (3). Last evaluated 2024-09-05.

Allele frequency attached by ClinVar (database versions not stated): gnomAD 0.00001 and 0.00002; TOPMed 0.00002; gnomAD exomes 0.00005; ExAC 0.00007; ESP Exome Variant Server 0.00015.

Submissions (4):

Labcorp Genetics (formerly Invitae), Labcorp
Classification: Benign. Last evaluated: 2024-09-05. Review status: criteria provided, single submitter. Criteria: Invitae Variant Classification Sherloc (09022015). Collection method: clinical testing. Allele origin: germline.

CeGaT Center for Human Genetics Tuebingen
Classification: Likely benign. Last evaluated: 2024-08-01. Review status: criteria provided, single submitter. Criteria: CeGaT Center For Human Genetics Tuebingen Variant Classification Criteria Version 2. Collection method: clinical testing. Allele origin: germline. Affected: yes. Observed: 1 variant allele.
Comment: ARID1A: BS2

Blueprint Genetics
Classification: Likely benign. Last evaluated: 2024-02-26. Review status: criteria provided, single submitter. Criteria: ACMG Guidelines, 2015. Collection method: clinical testing. Allele origin: germline.

GeneDx
Classification: Likely benign. Last evaluated: 2019-12-04. Review status: criteria provided, single submitter. Criteria: GeneDx Variant Classification Process June 2021. Collection method: clinical testing. Allele origin: germline. Affected: yes.
Comment: This variant is associated with the following publications: (PMID: 30615206)

NM_006015.6(ARID1A):c.2668A>G (p.Met890Val)

Gene: ARID1A (AT-rich interaction domain 1A; plus strand). Cytogenetic location: 1p36.11.
Variant type: single nucleotide variant.
Coding change: c.2668A>G on transcript NM_006015.6 (MANE Select); coding-DNA position 2668, A replaced by G.
Protein change: p.Met890Val; replaces methionine 890 with valine.
Molecular consequence: missense variant.
Genome position (GRCh38, 1-based): chr1:26,763,221, A>G. VCF-style: chr1-26763221-A-G. GRCh37 (hg19) VCF-style: chr1-27089712-A-G.
Other names: c.2668A>G, p.Met890Val (NM_139135.4); short protein forms M890V.
Identifiers: ClinVar variation 1205794 (VCV001205794.23), dbSNP rs140664170, ClinGen allele CA707042.